The following is an entry in ClinVar:

NM_001106.4(ACVR2B):c.*592C>T

Gene: ACVR2B (activin A receptor type 2B; plus strand). Cytogenetic location: 3p22.2.
Variant type: single nucleotide variant.
Coding change: c.*592C>T on transcript NM_001106.4 (MANE Select); 592 bases downstream of the stop codon, C replaced by T.
Molecular consequence: 3 prime UTR variant.
Genome position (GRCh38, 1-based): chr3:38,483,924, C>T. VCF-style: chr3-38483924-C-T. GRCh37 (hg19) VCF-style: chr3-38525415-C-T.
Identifiers: ClinVar variation 344934 (VCV000344934.5), dbSNP rs80046041, ClinGen allele CA10615725.

ClinVar aggregate classification (germline): Benign (1 of 4 stars; one submission).

Conditions:
Heterotaxy, visceral, 4, autosomal (HTX4). Identifiers: Orphanet 450, MedGen C3151057, MONDO:0013403, OMIM 613751.

Allele frequency attached by ClinVar (database versions not stated): gnomAD exomes 0.00110; TOPMed 0.00292; gnomAD 0.00349; 1000 Genomes Project 30x 0.00984; 1000 Genomes Project 0.01078.

Submission:

Illumina Laboratory Services, Illumina
Classification: Benign for Heterotaxy, visceral, 4, autosomal. Last evaluated: 2018-01-13. Review status: criteria provided, single submitter. Criteria: ICSL Variant Classification Criteria 13 December 2019. Collection method: clinical testing. Allele origin: germline.
Comment: This variant was observed in the ICSL laboratory as part of a predisposition screen in an ostensibly healthy population. It had not been previously curated by ICSL or reported in the Human Gene Mutation Database (HGMD: prior to June 1st, 2018), and was therefore a candidate for classification through an automated scoring system. Utilizing variant allele frequency, disease prevalence and penetrance estimates, and inheritance mode, an automated score was calculated to assess if this variant is too frequent to cause the disease. Based on the score and internal cut-off values, a variant classified as benign is not then subjected to further curation. The score for this variant resulted in a classification of benign for this disease.